The following is an entry in ClinVar:

NM_031407.7(HUWE1):c.5851A>T (p.Asn1951Tyr)

Gene: HUWE1 (HECT, UBA and WWE domain containing E3 ubiquitin protein ligase 1; minus strand). Cytogenetic location: Xp11.22.
Variant type: single nucleotide variant.
Coding change: c.5851A>T on transcript NM_031407.7 (MANE Select); coding-DNA position 5851, A replaced by T.
Protein change: p.Asn1951Tyr; replaces asparagine 1951 with tyrosine.
Molecular consequence: missense variant.
Genome position (GRCh38, 1-based): chrX:53,576,933, T>A on the plus strand (A>T on the coding strand, the complement: HUWE1 is on the minus strand). VCF-style: chrX-53576933-T-A. GRCh37 (hg19) VCF-style: chrX-53603893-T-A.
Other names: short protein forms N1951Y.
Identifiers: ClinVar variation 2443558 (VCV002443558.1), dbSNP rs2524885755, ClinGen allele CA413171905.
Genomic context (GRCh38, chrX:53,576,933, plus strand): 5'-GCCTCCTGAGGTAGGCTAGCCACATACCTTCCTCTGGAGCATGGTATGCAGCCAGAGCAT[T>A]CAGCATATCATAGATCACTTCCTTGATAGTATCAGGGATGACAGGCAGAGGTGAGGGCTT-3'
Protein context (NP_113584.3, residues 1941-1961): TIKEVIYDML[Asn1951Tyr]ALAAYHAPEE

ClinVar aggregate classification (germline): Uncertain significance (1 of 4 stars; one submission).

Submission:

GeneDx
Classification: Uncertain significance. Last evaluated: 2022-08-31. Review status: criteria provided, single submitter. Criteria: GeneDx Variant Classification Process June 2021. Collection method: clinical testing. Allele origin: germline. Affected: yes.
Comment: Not observed at significant frequency in large population cohorts (gnomAD); In silico analysis supports that this missense variant has a deleterious effect on protein structure/function; Has not been previously published as pathogenic or benign to our knowledge